The following is an entry in ClinVar:

NM_052844.4(DYNC2I2):c.253G>A (p.Ala85Thr)

Gene: DYNC2I2 (dynein 2 intermediate chain 2; minus strand). Cytogenetic location: 9q34.11.
Variant type: single nucleotide variant.
Coding change: c.253G>A on transcript NM_052844.4 (MANE Select); coding-DNA position 253, G replaced by A.
Protein change: p.Ala85Thr; replaces alanine 85 with threonine.
Molecular consequence: missense variant.
Genome position (GRCh38, 1-based): chr9:128,640,873, C>T on the plus strand (G>A on the coding strand, the complement: DYNC2I2 is on the minus strand). VCF-style: chr9-128640873-C-T. GRCh37 (hg19) VCF-style: chr9-131403152-C-T.
Other names: c.253G>A (NM_052844.3); short protein forms A85T.
Identifiers: ClinVar variation 2413328 (VCV002413328.8), dbSNP rs762303082, ClinGen allele CA5266686.
Genomic context (GRCh38, chr9:128,640,873, plus strand): 5'-TGTCATACTGGGACGGGGGCTGCACGCTGACAGGCACGGGGGCCTCCGTCTGCACCTGGG[C>T]GTCCACATGATTCCTGGCCTGGGCGGATGCACTGGCAGTGGCAATGCTGGCCGTCTGGCA-3'
Protein context (NP_443076.2, residues 75-95): ASAQARNHVD[Ala85Thr]QVQTEAPVPV

ClinVar aggregate classification (germline): Uncertain significance. Review status: criteria provided, multiple submitters, no conflicts (2 of 4 stars). 2 submissions from 2 submitters: Uncertain significance (2). Last evaluated 2025-09-02.

Conditions:
Short-rib thoracic dysplasia 11 with or without polydactyly (SRTD11). Also called: SHORT-RIB THORACIC DYSPLASIA 11 WITHOUT POLYDACTYLY. Identifiers: Orphanet 474, Orphanet 93271, MedGen C3810200, MONDO:0014287, OMIM 615633.

Allele frequency attached by ClinVar (database versions not stated): TOPMed 0.00001; ExAC 0.00002; gnomAD 0.00002; gnomAD exomes 0.00005.
gnomAD v4.1: 72 of 1,613,202 alleles (0.0045%); highest among the groups gnomAD compares: Non-Finnish European, 0.0056%; no homozygotes.

Submissions (2):

Labcorp Genetics (formerly Invitae), Labcorp
Classification: Uncertain significance for Short-rib thoracic dysplasia 11 with or without polydactyly. Last evaluated: 2025-09-02. Review status: criteria provided, single submitter. Criteria: Invitae Variant Classification Sherloc (09022015). Collection method: clinical testing. Allele origin: germline.
Comment: This sequence change replaces alanine, which is neutral and non-polar, with threonine, which is neutral and polar, at codon 85 of the WDR34 protein (p.Ala85Thr). This variant is present in population databases (rs762303082, gnomAD 0.01%). This variant has not been reported in the literature in individuals affected with WDR34-related conditions. ClinVar contains an entry for this variant (Variation ID: 2413328). An algorithm developed to predict the effect of missense changes on protein structure and function (PolyPhen-2) suggests that this variant is likely to be tolerated. In summary, the available evidence is currently insufficient to determine the role of this variant in disease. Therefore, it has been classified as a Variant of Uncertain Significance.

Revvity Omics, Revvity
Classification: Uncertain significance for Short-rib thoracic dysplasia 11 with or without polydactyly. Last evaluated: 2022-09-30. Review status: criteria provided, single submitter. Criteria: ACMG Guidelines, 2015. Collection method: clinical testing. Allele origin: germline.